The following is an entry in ClinVar:

ClinVar aggregate classification (germline): Uncertain significance (1 of 4 stars; one submission).

Allele frequency attached by ClinVar (database versions not stated): gnomAD 0.00001; gnomAD exomes 0.00001.
gnomAD v4.1: 5 of 1,201,852 alleles (0.00042%); highest among the groups gnomAD compares: Non-Finnish European, 0.00052%; no homozygotes.

Submission:

Labcorp Genetics (formerly Invitae), Labcorp
Classification: Uncertain significance. Last evaluated: 2022-04-06. Review status: criteria provided, single submitter. Criteria: Invitae Variant Classification Sherloc (09022015). Collection method: clinical testing. Allele origin: germline.
Comment: In summary, the available evidence is currently insufficient to determine the role of this variant in disease. Therefore, it has been classified as a Variant of Uncertain Significance. Algorithms developed to predict the effect of missense changes on protein structure and function output the following: SIFT: "Deleterious"; PolyPhen-2: "Benign"; Align-GVGD: "Class C0". The aspartic acid amino acid residue is found in multiple mammalian species, which suggests that this missense change does not adversely affect protein function. This variant has not been reported in the literature in individuals affected with TPRN-related conditions. The frequency data for this variant in the population databases is considered unreliable, as metrics indicate poor data quality at this position in the gnomAD database. This sequence change replaces glycine, which is neutral and non-polar, with aspartic acid, which is acidic and polar, at codon 185 of the TPRN protein (p.Gly185Asp).

NM_001128228.3(TPRN):c.554G>A (p.Gly185Asp)

Gene: TPRN (taperin; minus strand). Cytogenetic location: 9q34.3.
Variant type: single nucleotide variant.
Coding change: c.554G>A on transcript NM_001128228.3 (MANE Select); coding-DNA position 554, G replaced by A.
Protein change: p.Gly185Asp; replaces glycine 185 with aspartic acid.
Molecular consequence: missense variant.
Genome position (GRCh38, 1-based): chr9:137,200,158, C>T on the plus strand (G>A on the coding strand, the complement: TPRN is on the minus strand). VCF-style: chr9-137200158-C-T. GRCh37 (hg19) VCF-style: chr9-140094610-C-T.
Other names: short protein forms G185D.
Identifiers: ClinVar variation 2122082 (VCV002122082.4), dbSNP rs1335702517, ClinGen allele CA375781929.